The following is an entry in ClinVar:

ClinVar aggregate classification (germline): Conflicting classifications of pathogenicity. Review status: criteria provided, conflicting classifications (1 of 4 stars). 4 submissions from 4 submitters: Uncertain significance (3); Likely benign (1). Last evaluated 2025-11-28.

Conditions:
Inborn genetic diseases. Identifiers: MedGen C0950123, MeSH D030342.
Autosomal recessive limb-girdle muscular dystrophy type 2Q (LGMDR17). Also called: MUSCULAR DYSTROPHY, LIMB-GIRDLE, AUTOSOMAL RECESSIVE 17. Identifiers: Orphanet 254361, MedGen C3150989, MONDO:0013390, OMIM 613723.
Epidermolysis bullosa simplex with nail dystrophy (EBS5D). Identifiers: MedGen C4225309, MONDO:0014661, OMIM 616487.
Epidermolysis bullosa simplex 5C, with pyloric atresia (EBS5C). Also called: Epidermolysis bullosa simplex with pyloric atresia; PLEC-Related Epidermolysis Bullosa with Pyloric Atresia; PLEC1-Related Epidermolysis Bullosa with Pyloric Atresia. Identifiers: Orphanet 158684, MedGen C2677349, MONDO:0012807, OMIM 612138.
Epidermolysis bullosa simplex, Ogna type (EBS5A). Also called: Pidermolysis bullosa simplex 5A, Ogna type; EPIDERMOLYSIS BULLOSA SIMPLEX 5A, OGNA TYPE. Identifiers: Orphanet 79401, MedGen C0432317, MONDO:0007555, OMIM 131950.
Epidermolysis bullosa simplex 5B, with muscular dystrophy (EBS5B). Also called: EPIDERMOLYSIS BULLOSA SIMPLEX AND LIMB-GIRDLE MUSCULAR DYSTROPHY; Epidermolysis bullosa simplex with muscular dystrophy. Identifiers: Orphanet 257, MedGen C2931072, MONDO:0009181, OMIM 226670.

Allele frequency attached by ClinVar (database versions not stated): ExAC 0.00050; 1000 Genomes Project 30x 0.00062; 1000 Genomes Project 0.00080; ESP Exome Variant Server 0.00008; gnomAD 0.00009 and 0.00013; gnomAD exomes 0.00010 and 0.00037; TOPMed 0.00015.
gnomAD v4.1: 170 of 1,598,246 alleles (0.011%); highest among the groups gnomAD compares: South Asian, 0.1%; no homozygotes.

Submissions (4):

Labcorp Genetics (formerly Invitae), Labcorp
Classification: Uncertain significance for Autosomal recessive limb-girdle muscular dystrophy type 2Q; Epidermolysis bullosa simplex, Ogna type; Epidermolysis bullosa simplex with nail dystrophy; Epidermolysis bullosa simplex 5C, with pyloric atresia; Epidermolysis bullosa simplex 5B, with muscular dystrophy. Last evaluated: 2025-11-28. Review status: criteria provided, single submitter. Criteria: Invitae Variant Classification Sherloc (09022015). Collection method: clinical testing. Allele origin: germline.
Comment: This sequence change replaces alanine, which is neutral and non-polar, with valine, which is neutral and non-polar, at codon 2635 of the PLEC protein (p.Ala2635Val). This variant is present in population databases (rs370351676, gnomAD 0.2%). This variant has not been reported in the literature in individuals affected with PLEC-related conditions. ClinVar contains an entry for this variant (Variation ID: 285733). Invitae Evidence Modeling of protein sequence and biophysical properties (such as structural, functional, and spatial information, amino acid conservation, physicochemical variation, residue mobility, and thermodynamic stability) indicates that this missense variant is not expected to disrupt PLEC protein function with a negative predictive value of 80%. In summary, the available evidence is currently insufficient to determine the role of this variant in disease. Therefore, it has been classified as a Variant of Uncertain Significance.

Ambry Genetics
Classification: Uncertain significance for Inborn genetic diseases. Last evaluated: 2021-09-16. Review status: criteria provided, single submitter. Criteria: Ambry Variant Classification Scheme 2023. Collection method: clinical testing. Allele origin: germline.

Blueprint Genetics
Classification: Likely benign. Last evaluated: 2021-09-15. Review status: criteria provided, single submitter. Criteria: ACMG Guidelines, 2015. Collection method: clinical testing. Allele origin: germline.

Eurofins Ntd Llc (ga)
Classification: Uncertain significance. Last evaluated: 2017-10-20. Review status: criteria provided, single submitter. Criteria: EGL Classification Definitions 2015. Collection method: clinical testing. Allele origin: germline. Observed: 5 variant alleles, 5 heterozygotes.

NM_201384.3(PLEC):c.7823C>T (p.Ala2608Val)

Gene: PLEC (plectin; minus strand). Cytogenetic location: 8q24.3.
Variant type: single nucleotide variant.
Coding change: c.7823C>T on transcript NM_201384.3 (MANE Select); coding-DNA position 7823, C replaced by T.
Protein change: p.Ala2608Val; replaces alanine 2608 with valine.
Molecular consequence: missense variant.
Genome position (GRCh38, 1-based): chr8:143,921,998, G>A on the plus strand (C>T on the coding strand, the complement: PLEC is on the minus strand). VCF-style: chr8-143921998-G-A. GRCh37 (hg19) VCF-style: chr8-144996166-G-A.
Other names: c.7904C>T, p.Ala2635Val (NM_000445.5); c.7781C>T, p.Ala2594Val (NM_201378.4); c.7757C>T, p.Ala2586Val (NM_201379.3); c.8234C>T, p.Ala2745Val (NM_201380.4); c.7727C>T, p.Ala2576Val (NM_201381.3); c.7823C>T, p.Ala2608Val (NM_201382.4); c.7835C>T, p.Ala2612Val (NM_201383.3); c.7904C>T (NM_000445.3); short protein forms A2612V, A2594V, A2635V, A2745V, A2576V, A2586V, A2608V.
Identifiers: ClinVar variation 285733 (VCV000285733.18), dbSNP rs370351676, ClinGen allele CA4925509.